The following is an entry in ClinVar:

NM_001205019.2(GK):c.152+1G>C

Gene: GK (glycerol kinase; plus strand). Cytogenetic location: Xp21.2.
Variant type: single nucleotide variant.
Coding change: c.152+1G>C on transcript NM_001205019.2 (MANE Select); the canonical splice donor site of the intron after coding-DNA position 152, G replaced by C.
Molecular consequence: splice donor variant.
Genome position (GRCh38, 1-based): chrX:30,665,585, G>C. VCF-style: chrX-30665585-G-C. GRCh37 (hg19) VCF-style: chrX-30683702-G-C.
Other names: c.152+1G>C (NM_001399987.1, NM_203391.4, NM_001128127.3 and 1 more transcripts).
Identifiers: ClinVar variation 986037 (VCV000986037.4), dbSNP rs1933016162, ClinGen allele CA412642922.

ClinVar aggregate classification (germline): Likely pathogenic. Review status: criteria provided, multiple submitters, no conflicts (2 of 4 stars). 2 submissions from 2 submitters: Likely pathogenic (2). Last evaluated 2019-01-17.

Conditions:
Inborn glycerol kinase deficiency. Also called: GK DEFICIENCY; GK1 DEFICIENCY; Hyperglycerolemia; Deficiency of glycerol kinase. Identifiers: Orphanet 308993, Orphanet 408, MedGen C0268418, MONDO:0010613, OMIM 307030, HP:0040302.
Inborn genetic diseases. Identifiers: MedGen C0950123, MeSH D030342.

Submissions (2):

Ambry Genetics
Classification: Likely pathogenic for Inborn genetic diseases. Last evaluated: 2019-01-17. Review status: criteria provided, single submitter. Criteria: Ambry exome assertion method (8-5-2015). Collection method: clinical testing. Allele origin: germline. Affected: yes. Observed: 1 variant allele.

Rady Children's Institute for Genomic Medicine, Rady Children's Hospital San Diego
Classification: Likely pathogenic for GLYCEROL KINASE DEFICIENCY. Review status: criteria provided, single submitter. Criteria: ACMG Guidelines, 2015. Collection method: clinical testing. Allele origin: germline. Affected: yes.
Comment: This variant affects the canonical splice donor site of intron 2 and is therefore predicted to interfere with splicing and result in loss of normal protein function through either protein truncation or nonsense-mediated mRNA decay (NMD). Multiple splice prediction tools suggest this variant is likely to interfere with normal splicing; however, to our knowledge, no RNA-base splicing analysis has been performed to clarify the effect of this alteration on splicing. This variant has not been previously reported or functionally characterized in the literature to our knowledge. Splice site variation in GK is an established mechanism of disease (PMID: 16549535). The c.152+1G>C variant is absent from the gnomAD population database and thus is presumed to be rare. Based on the available evidence, the c.152+1G>C variant is classified as Likely Pathogenic.